The following is an entry in ClinVar:

NM_015488.5(PNKD):c.383C>T (p.Ser128Leu)

Genes: CATIP-AS2 (CATIP antisense RNA 2; minus strand), PNKD (PNKD metallo-beta-lactamase domain containing; plus strand). Cytogenetic location: 2q35.
Variant type: single nucleotide variant.
Coding change: c.383C>T on transcript NM_015488.5 (MANE Select); coding-DNA position 383, C replaced by T.
Protein change: p.Ser128Leu; replaces serine 128 with leucine.
Molecular consequence: missense variant.
Genome position (GRCh38, 1-based): chr2:218,340,059, C>T. VCF-style: chr2-218340059-C-T. GRCh37 (hg19) VCF-style: chr2-219204782-C-T.
Other names: c.311C>T, p.Ser104Leu (NM_022572.5); short protein forms S128L, S104L.
Identifiers: ClinVar variation 468630 (VCV000468630.13), dbSNP rs200782799, ClinGen allele CA2103932.

ClinVar aggregate classification (germline): Uncertain significance. Review status: criteria provided, multiple submitters, no conflicts (2 of 4 stars). 3 submissions from 3 submitters: Uncertain significance (3). Last evaluated 2025-09-02.

Conditions:
Paroxysmal nonkinesigenic dyskinesia. Also called: Paroxysmal non-kinesigenic dyskinesia. Identifiers: Orphanet 98810, MedGen C1869117, MONDO:0700088.
Inborn genetic diseases. Identifiers: MedGen C0950123, MeSH D030342.

Allele frequency attached by ClinVar (database versions not stated): gnomAD 0.00001; ExAC 0.00002; gnomAD exomes 0.00002; TOPMed 0.00002; 1000 Genomes Project 30x 0.00016; 1000 Genomes Project 0.00020.
gnomAD v4.1: 12 of 1,612,700 alleles (0.00074%); highest among the groups gnomAD compares: Admixed American, 0.0083%; no homozygotes.

Submissions (3):

Labcorp Genetics (formerly Invitae), Labcorp
Classification: Uncertain significance for Paroxysmal nonkinesigenic dyskinesia. Last evaluated: 2025-09-02. Review status: criteria provided, single submitter. Criteria: Invitae Variant Classification Sherloc (09022015). Collection method: clinical testing. Allele origin: germline.
Comment: This sequence change replaces serine, which is neutral and polar, with leucine, which is neutral and non-polar, at codon 128 of the PNKD protein (p.Ser128Leu). This variant is present in population databases (rs200782799, gnomAD 0.01%). This variant has not been reported in the literature in individuals affected with PNKD-related conditions. ClinVar contains an entry for this variant (Variation ID: 468630). Invitae Evidence Modeling of protein sequence and biophysical properties (such as structural, functional, and spatial information, amino acid conservation, physicochemical variation, residue mobility, and thermodynamic stability) indicates that this missense variant is not expected to disrupt PNKD protein function with a negative predictive value of 80%. In summary, the available evidence is currently insufficient to determine the role of this variant in disease. Therefore, it has been classified as a Variant of Uncertain Significance.

Ambry Genetics
Classification: Uncertain significance for Inborn genetic diseases. Last evaluated: 2024-12-25. Review status: criteria provided, single submitter. Criteria: Ambry Variant Classification Scheme 2023. Collection method: clinical testing. Allele origin: germline.

GeneDx
Classification: Uncertain significance. Last evaluated: 2024-08-29. Review status: criteria provided, single submitter. Criteria: GeneDx Variant Classification Process June 2021. Collection method: clinical testing. Allele origin: germline. Affected: yes.
Comment: In silico analysis supports that this missense variant has a deleterious effect on protein structure/function; Has not been previously published as pathogenic or benign to our knowledge